The following is an entry in ClinVar:

NM_014252.4(SLC25A15):c.498del (p.Leu167fs)

Gene: SLC25A15 (solute carrier family 25 member 15; plus strand). Cytogenetic location: 13q14.11.
Variant type: Deletion.
Coding change: c.498del on transcript NM_014252.4 (MANE Select); coding-DNA position 498, one base deleted (C; older notation c.498delC).
Protein change: p.Leu167fs; shifts the reading frame from leucine 167.
Molecular consequence: frameshift variant.
Genome position (GRCh38, 1-based): chr13:40,807,339, C deleted; the last of 4 consecutive C bases (chr13:40,807,336-40,807,339); deleting any one gives the same sequence. VCF-style (leftmost placement, unchanged base first): chr13-40807335-GC-G. GRCh37 (hg19) VCF-style: chr13-41381471-GC-G.
Other names: short protein forms L167fs.
Identifiers: ClinVar variation 1073730 (VCV001073730.6), dbSNP rs2138056689, ClinGen allele CA2499222412.

ClinVar aggregate classification (germline): Pathogenic/Likely pathogenic. Review status: criteria provided, multiple submitters, no conflicts (2 of 4 stars). 2 submissions from 2 submitters: Pathogenic (1); Likely pathogenic (1). Last evaluated 2023-08-22.

Conditions:
Hyperornithinemia-hyperammonemia-homocitrullinuria syndrome (HHHS). Also called: HHH SYNDROME; Ornithine translocase deficiency. Identifiers: Orphanet 415, MedGen C0268540, MONDO:0009393, OMIM 238970.

Submissions (2):

Baylor Genetics
Classification: Likely pathogenic for Hyperornithinemia-hyperammonemia-homocitrullinuria syndrome. Last evaluated: 2023-08-22. Review status: criteria provided, single submitter. Criteria: ACMG Guidelines, 2015. Collection method: clinical testing. Allele origin: unknown.

Labcorp Genetics (formerly Invitae), Labcorp
Classification: Pathogenic for Hyperornithinemia-hyperammonemia-homocitrullinuria syndrome. Last evaluated: 2022-04-05. Review status: criteria provided, single submitter. Criteria: Invitae Variant Classification Sherloc (09022015). Collection method: clinical testing. Allele origin: germline.
Comment: For these reasons, this variant has been classified as Pathogenic. ClinVar contains an entry for this variant (Variation ID: 1073730). This variant has not been reported in the literature in individuals affected with SLC25A15-related conditions. This variant is not present in population databases (gnomAD no frequency). This sequence change creates a premature translational stop signal (p.Leu167Trpfs*27) in the SLC25A15 gene. It is expected to result in an absent or disrupted protein product. Loss-of-function variants in SLC25A15 are known to be pathogenic (PMID: 11552031, 19242930).

Literature cited by the submitters: PubMed 11552031 (cited by Labcorp Genetics (formerly Invitae), Labcorp); PubMed 19242930 (cited by Labcorp Genetics (formerly Invitae), Labcorp).